The following is an entry in ClinVar:

NM_001184880.2(PCDH19):c.291dup (p.Lys98fs)

Gene: PCDH19 (protocadherin 19; minus strand). Cytogenetic location: Xq22.1.
Variant type: Duplication.
Coding change: c.291dup on transcript NM_001184880.2 (MANE Select); coding-DNA position 291, one base duplicated (C; older notation c.291dupC).
Protein change: p.Lys98fs; shifts the reading frame from lysine 98.
Molecular consequence: frameshift variant.
Genome position (GRCh38, 1-based): chrX:100,408,307, G duplicated on the plus strand (C on the coding strand, the reverse complement: PCDH19 is on the minus strand); the first of 4 consecutive G bases (chrX:100,408,307-100,408,310); duplicating any one gives the same sequence. VCF-style (leftmost placement, unchanged base first): chrX-100408306-T-TG. GRCh37 (hg19) VCF-style: chrX-99663304-T-TG.
Other names: c.291dup, p.Lys98fs (NM_001105243.2, NM_020766.3); short protein forms K98fs.
Identifiers: ClinVar variation 1070981 (VCV001070981.7), dbSNP rs2147542264, ClinGen allele CA2499226261.
Genomic context (GRCh38, chrX:100,408,306, plus strand): 5'-CCACCTTTATCACGCAGATTTCCATTGAGCTGGACATGACCTCGAGCGAGATGATGCACT[T>TG]GGGGCTCTGGCGGCACAGCAGATCACGGTCAATCTTCTGCTTGGTGACCAGCAGGCCAGA-3'

ClinVar aggregate classification (germline): Pathogenic (1 of 4 stars; one submission).

Conditions:
Developmental and epileptic encephalopathy, 9 (DEE9). Also called: PCDH19-Related X-Linked Female-Limited Epilepsy with Mental Retardation; Early infantile epileptic encephalopathy 9; EPILEPSY, FEMALE-RESTRICTED, WITH MENTAL RETARDATION; JUBERG-HELLMAN SYNDROME. Identifiers: Orphanet 101039, Orphanet 2076, MedGen C1848137, MONDO:0010246, OMIM 300088. Disease mechanism: loss of function.

Submission:

Labcorp Genetics (formerly Invitae), Labcorp
Classification: Pathogenic for Developmental and epileptic encephalopathy, 9. Last evaluated: 2020-12-03. Review status: criteria provided, single submitter. Criteria: Invitae Variant Classification Sherloc (09022015). Collection method: clinical testing. Allele origin: germline.
Comment: This sequence change creates a premature translational stop signal (p.Lys98Glnfs*128) in the PCDH19 gene. It is expected to result in an absent or disrupted protein product. This variant is not present in population databases (ExAC no frequency). This variant has not been reported in the literature in individuals with PCDH19-related conditions. Loss-of-function variants in PCDH19 are known to be pathogenic (PMID: 21053371). For these reasons, this variant has been classified as Pathogenic.

Literature cited by the submitters: PubMed 21053371.